The following is an entry in ClinVar:

ClinVar aggregate classification (germline): Likely benign. Review status: criteria provided, multiple submitters, no conflicts (2 of 4 stars). 3 submissions from 3 submitters: Likely benign (3). Last evaluated 2026-01-11.

Allele frequency attached by ClinVar (database versions not stated): ExAC 0.00002; gnomAD exomes 0.00003 and 0.00024; TOPMed 0.00005; gnomAD 0.00007.
gnomAD v4.1: 349 of 1,612,238 alleles (0.022%); highest among the groups gnomAD compares: Non-Finnish European, 0.029%; no homozygotes.

Submissions (3):

Labcorp Genetics (formerly Invitae), Labcorp
Classification: Likely benign. Last evaluated: 2026-01-11. Review status: criteria provided, single submitter. Criteria: Invitae Variant Classification Sherloc (09022015). Collection method: clinical testing. Allele origin: germline.

Blueprint Genetics
Classification: Likely benign. Last evaluated: 2024-10-17. Review status: criteria provided, single submitter. Criteria: ACMG Guidelines, 2015. Collection method: clinical testing. Allele origin: germline.

GeneDx
Classification: Likely benign. Last evaluated: 2016-04-08. Review status: criteria provided, single submitter. Criteria: GeneDx Variant Classification (06012015). Collection method: clinical testing. Allele origin: germline. Affected: yes.
Comment: This variant is considered likely benign or benign based on one or more of the following criteria: it is a conservative change, it occurs at a poorly conserved position in the protein, it is predicted to be benign by multiple in silico algorithms, and/or has population frequency not consistent with disease.

NM_001098.3(ACO2):c.2226C>T (p.Ile742=)

Genes: ACO2 (aconitase 2; plus strand), POLR3H (RNA polymerase III subunit H; minus strand). Cytogenetic location: 22q13.2.
Variant type: single nucleotide variant.
Coding change: c.2226C>T on transcript NM_001098.3 (MANE Select); coding-DNA position 2226, C replaced by T.
Protein change: p.Ile742=; no amino-acid change (isoleucine 742 retained).
Molecular consequence: synonymous variant. On other transcripts: 3 prime UTR variant (5).
Genome position (GRCh38, 1-based): chr22:41,528,496, C>T. VCF-style: chr22-41528496-C-T. GRCh37 (hg19) VCF-style: chr22-41924500-C-T.
Other names: c.*787G>A (NM_001018050.4, NM_001018052.4, NM_001282884.2 and 2 more transcripts).
Identifiers: ClinVar variation 385150 (VCV000385150.10), dbSNP rs771726944, ClinGen allele CA10257949.